The following is an entry in ClinVar:

ClinVar aggregate classification (germline): Uncertain significance (1 of 4 stars; one submission).

Submission:

Ambry Genetics
Classification: Uncertain significance. Last evaluated: 2024-01-19. Review status: criteria provided, single submitter. Criteria: Ambry Variant Classification Scheme 2023. Collection method: clinical testing. Allele origin: germline.
Comment: The p.P418L variant (also known as c.1253C>T), located in coding exon 12 of the RAD54L gene, results from a C to T substitution at nucleotide position 1253. The proline at codon 418 is replaced by leucine, an amino acid with similar properties. This amino acid position is conserved. In addition, the in silico prediction for this alteration is inconclusive. Based on the available evidence, the clinical significance of this alteration remains unclear.

NM_003579.4(RAD54L):c.1253C>T (p.Pro418Leu)

Gene: RAD54L (RAD54 like; plus strand). Cytogenetic location: 1p34.1.
Variant type: single nucleotide variant.
Coding change: c.1253C>T on transcript NM_003579.4 (MANE Select); coding-DNA position 1253, C replaced by T.
Protein change: p.Pro418Leu; replaces proline 418 with leucine.
Molecular consequence: missense variant.
Genome position (GRCh38, 1-based): chr1:46,272,680, C>T. VCF-style: chr1-46272680-C-T. GRCh37 (hg19) VCF-style: chr1-46738352-C-T.
Other names: c.1253C>T, p.Pro418Leu (NM_001142548.2); c.713C>T, p.Pro238Leu (NM_001370766.1); short protein forms P238L, P418L.
Identifiers: ClinVar variation 3223402 (VCV003223402.1), dbSNP rs2525707780, ClinGen allele CA340179096.